The following is an entry in ClinVar:

ClinVar aggregate classification (germline): Likely benign. Review status: criteria provided, multiple submitters, no conflicts (2 of 4 stars). 2 submissions from 2 submitters: Likely benign (2). Last evaluated 2026-01-13.

Conditions:
Multiple endocrine neoplasia, type 2 (MEN2). Identifiers: Orphanet 653, MedGen C4048306, MONDO:0019003. Disease mechanism: gain of function.
Multiple endocrine neoplasia type 2A. Also called: MULTIPLE ENDOCRINE NEOPLASIA, TYPE IIA; PTC SYNDROME; SIPPLE SYNDROME; MEN 2A; MEN-2A syndrome; Pheochromocytoma and amyloid producing medullary thyroid carcinoma. Identifiers: Orphanet 247698, Orphanet 653, MedGen C0025268, MeSH D018813, MONDO:0008234, OMIM 171400.

Allele frequency attached by ClinVar (database versions not stated): gnomAD exomes below 0.00001.
gnomAD v4.1: 1 of 1,612,926 alleles (0.000062%); highest among the groups gnomAD compares: Non-Finnish European, 0.000085%; no homozygotes.

Submissions (2):

Labcorp Genetics (formerly Invitae), Labcorp
Classification: Likely benign for Multiple endocrine neoplasia, type 2. Last evaluated: 2026-01-13. Review status: criteria provided, single submitter. Criteria: Invitae Variant Classification Sherloc (09022015). Collection method: clinical testing. Allele origin: germline.

Myriad Genetics, Inc.
Classification: Likely benign for Multiple endocrine neoplasia type 2A. Last evaluated: 2025-02-25. Review status: criteria provided, single submitter. Criteria: Myriad Autosomal Dominant, Autosomal Recessive and X-Linked Classification Criteria (2023). Collection method: clinical testing. Allele origin: unknown.
Comment: This variant is considered likely benign. This variant is intronic and is not expected to impact mRNA splicing.

NM_020975.6(RET):c.1063+7G>A

Gene: RET (ret proto-oncogene; plus strand). Cytogenetic location: 10q11.21.
Variant type: single nucleotide variant.
Coding change: c.1063+7G>A on transcript NM_020975.6 (MANE Select); 7 bases into the intron after coding-DNA position 1063, G replaced by A.
Molecular consequence: intron variant.
Genome position (GRCh38, 1-based): chr10:43,106,578, G>A. VCF-style: chr10-43106578-G-A. GRCh37 (hg19) VCF-style: chr10-43602026-G-A.
Other names: c.1063+7G>A (NM_020630.7, NM_001406743.1, NM_001406744.1 and 4 more transcripts); c.867+1385G>A (NM_001406772.1, NM_001406769.1); c.626-2453G>A (NM_001406773.1, NM_001406771.1); c.625+3949G>A (NM_001406782.1, NM_001406780.1, NM_001406779.1 and 3 more transcripts); c.934+7G>A (NM_001406764.1, NM_001406762.1, NM_001406761.1 and 1 more transcripts); c.738+1385G>A (NM_001406774.1); c.496+3949G>A (NM_001406786.1, NM_001406783.1); c.775+7G>A (NM_001406770.1, NM_001406766.1, NM_001406767.1); and 5 more.
Identifiers: ClinVar variation 215904 (VCV000215904.14), dbSNP rs863224425, ClinGen allele CA336291.